The following is an entry in ClinVar:

ClinVar aggregate classification (germline): Likely benign (0 of 4 stars; one submission).

Conditions:
KCNMA1-related disorder. Also called: KCNMA1-related disorders; KCNMA1-related condition.

Allele frequency attached by ClinVar (database versions not stated): ExAC 0.00048.
gnomAD v4.1: 234 of 1,551,920 alleles (0.015%); highest among the groups gnomAD compares: African/African-American, 0.015%; no homozygotes.

Submission:

PreventionGenetics, part of Exact Sciences
Classification: Likely benign for KCNMA1-related condition. Last evaluated: 2019-11-16. Review status: no assertion criteria provided. Collection method: clinical testing. Allele origin: germline.
Comment: This variant is classified as likely benign based on ACMG/AMP sequence variant interpretation guidelines (Richards et al. 2015 PMID: 25741868, with internal and published modifications).

NM_001161352.2(KCNMA1):c.2123G>A (p.Arg708Gln)

Gene: KCNMA1 (potassium calcium-activated channel subfamily M alpha 1; minus strand). Cytogenetic location: 10q22.3.
Variant type: single nucleotide variant.
Coding change: c.2123G>A on transcript NM_001161352.2 (MANE Select); coding-DNA position 2123, G replaced by A.
Protein change: p.Arg708Gln; replaces arginine 708 with glutamine.
Molecular consequence: missense variant. On other transcripts: intron variant (13).
Genome position (GRCh38, 1-based): chr10:77,001,550, C>T on the plus strand (G>A on the coding strand, the complement: KCNMA1 is on the minus strand). VCF-style: chr10-77001550-C-T. GRCh37 (hg19) VCF-style: chr10-78761308-C-T.
Other names: c.1942+10417G>A (NM_001271518.2); c.2092+10417G>A (NM_001322832.2, NM_001410940.1, NM_002247.4 and 1 more transcripts); c.2101+6635G>A (NM_001322829.2, NM_001322836.2, NM_001271519.2); c.2104+10417G>A (NM_001014797.3, NM_001322835.2, NM_001322837.2); c.2113+6635G>A (NM_001322830.2); c.1552+10417G>A (NM_001322838.2); short protein forms R708Q.
Identifiers: ClinVar variation 3048109 (VCV003048109.2), dbSNP rs77034142, ClinGen allele CA5568205.